The following is an entry in ClinVar:

ClinVar aggregate classification (germline): Uncertain significance (1 of 4 stars; one submission).

Allele frequency attached by ClinVar (database versions not stated): gnomAD 0.00001; gnomAD exomes 0.00001; ExAC 0.00002; TOPMed 0.00003; ESP Exome Variant Server 0.00008.

Submissions (3):

Labcorp Genetics (formerly Invitae), Labcorp
Classification: Uncertain significance. Last evaluated: 2022-06-30. Review status: criteria provided, single submitter. Criteria: Invitae Variant Classification Sherloc (09022015). Collection method: clinical testing. Allele origin: germline.
Comment: This sequence change replaces arginine, which is basic and polar, with glutamine, which is neutral and polar, at codon 484 of the GPAA1 protein (p.Arg484Gln). This variant also falls at the last nucleotide of exon 10, which is part of the consensus splice site for this exon. This variant is present in population databases (rs374430537, gnomAD 0.01%). This variant has not been reported in the literature in individuals affected with GPAA1-related conditions. Algorithms developed to predict the effect of missense changes on protein structure and function are either unavailable or do not agree on the potential impact of this missense change (SIFT: "Deleterious"; PolyPhen-2: "Benign"; Align-GVGD: "Class C0"). Variants that disrupt the consensus splice site are a relatively common cause of aberrant splicing (PMID: 17576681, 9536098). Algorithms developed to predict the effect of sequence changes on RNA splicing suggest that this variant may disrupt the consensus splice site. In summary, the available evidence is currently insufficient to determine the role of this variant in disease. Therefore, it has been classified as a Variant of Uncertain Significance.

Dr. Peter K. Rogan Lab, Western University
No classification provided (evidence only). Condition: Ovarian serous cystadenocarcinoma. Review status: no classification provided. Collection method: in vitro. Allele origin: not applicable. Functional consequence: retained intron. Not counted in ClinVar's aggregate classification.

Dr. Peter K. Rogan Lab, Western University
No classification provided (evidence only). Condition: Malignant tumor of esophagus. Review status: no classification provided. Collection method: in vitro. Allele origin: not applicable. Functional consequence: skipped exon, retained intron. Not counted in ClinVar's aggregate classification.

Literature cited by the submitters: PubMed 17576681 (cited by Labcorp Genetics (formerly Invitae), Labcorp); PubMed 9536098 (cited by Labcorp Genetics (formerly Invitae), Labcorp).

NM_003801.4(GPAA1):c.1451G>A (p.Arg484Gln)

Gene: GPAA1 (glycosylphosphatidylinositol anchor attachment 1; plus strand). Cytogenetic location: 8q24.3.
Variant type: single nucleotide variant.
Coding change: c.1451G>A on transcript NM_003801.4 (MANE Select); coding-DNA position 1451, G replaced by A.
Protein change: p.Arg484Gln; replaces arginine 484 with glutamine.
Molecular consequence: missense variant.
Genome position (GRCh38, 1-based): chr8:144,085,479, G>A. VCF-style: chr8-144085479-G-A. GRCh37 (hg19) VCF-style: chr8-145140382-G-A.
Other names: short protein forms R484Q.
Identifiers: ClinVar variation 2421248 (VCV002421248.3), dbSNP rs374430537, ClinGen allele CA4933156.
Genomic context (GRCh38, chr8:144,085,479, plus strand): 5'-TGGTGCTGACACTGCTGGCGATTTATGCAGCTGGCCTGGCCCTGCCCCACAATACCCACC[G>A]GTAAGAGGCTGGGCTGGTTGTTGGGGGCAGGGGTAGAGGTCCCCTGGACATGCAGACAGC-3'
Protein context (NP_003792.1, residues 474-494): AGLALPHNTH[Arg484Gln]VVSTQAPDRG